The following is an entry in ClinVar:

NM_001270508.2(TNFAIP3):c.1520G>A (p.Ser507Asn)

Gene: TNFAIP3 (TNF alpha induced protein 3; plus strand). Cytogenetic location: 6q23.3.
Variant type: single nucleotide variant.
Coding change: c.1520G>A on transcript NM_001270508.2 (MANE Select); coding-DNA position 1520, G replaced by A.
Protein change: p.Ser507Asn; replaces serine 507 with asparagine.
Molecular consequence: missense variant.
Genome position (GRCh38, 1-based): chr6:137,878,965, G>A. VCF-style: chr6-137878965-G-A. GRCh37 (hg19) VCF-style: chr6-138200102-G-A.
Other names: c.1520G>A, p.Ser507Asn (NM_001270507.2, NM_006290.4); c.1520G>A (NM_006290.2); short protein forms S507N.
Identifiers: ClinVar variation 1803347 (VCV001803347.5), dbSNP rs777284556, ClinGen allele CA4019663.

ClinVar aggregate classification (germline): Uncertain significance. Review status: criteria provided, multiple submitters, no conflicts (2 of 4 stars). 3 submissions from 3 submitters: Uncertain significance (3). Last evaluated 2026-08-13.

Conditions:
Inborn genetic diseases. Identifiers: MedGen C0950123, MeSH D030342.

Allele frequency attached by ClinVar (database versions not stated): gnomAD exomes below 0.00001; TOPMed 0.00005; ExAC 0.00001; gnomAD 0.00003.
gnomAD v4.1: 10 of 1,614,098 alleles (0.00062%); highest among the groups gnomAD compares: East Asian, 0.0089%; no homozygotes.

Submissions (3):

Ambry Genetics
Classification: Uncertain significance for Inborn genetic diseases. Last evaluated: 2026-08-13. Review status: criteria provided, single submitter. Criteria: Ambry Variant Classification Scheme 2023. Collection method: clinical testing. Allele origin: germline.

Labcorp Genetics (formerly Invitae), Labcorp
Classification: Uncertain significance. Last evaluated: 2023-10-13. Review status: criteria provided, single submitter. Criteria: Invitae Variant Classification Sherloc (09022015). Collection method: clinical testing. Allele origin: germline.
Comment: This sequence change replaces serine, which is neutral and polar, with asparagine, which is neutral and polar, at codon 507 of the TNFAIP3 protein (p.Ser507Asn). This variant is present in population databases (rs777284556, gnomAD 0.007%). This variant has not been reported in the literature in individuals affected with TNFAIP3-related conditions. ClinVar contains an entry for this variant (Variation ID: 1803347). Advanced modeling of protein sequence and biophysical properties (such as structural, functional, and spatial information, amino acid conservation, physicochemical variation, residue mobility, and thermodynamic stability) performed at Invitae indicates that this missense variant is not expected to disrupt TNFAIP3 protein function. In summary, the available evidence is currently insufficient to determine the role of this variant in disease. Therefore, it has been classified as a Variant of Uncertain Significance.

GeneDx
Classification: Uncertain significance. Last evaluated: 2022-06-08. Review status: criteria provided, single submitter. Criteria: GeneDx Variant Classification Process June 2021. Collection method: clinical testing. Allele origin: germline. Affected: yes.
Comment: Not observed at significant frequency in large population cohorts (gnomAD); In silico analysis supports that this missense variant does not alter protein structure/function; Has not been previously published as pathogenic or benign to our knowledge